The following is an entry in ClinVar:

ClinVar aggregate classification (germline): Likely pathogenic (1 of 4 stars; one submission).

Conditions:
Congenital hyperammonemia, type I. Also called: CPS I DEFICIENCY; Carbamoyl-phosphate synthase I deficiency; Carbamoyl phosphate synthetase 1 deficiency; Hyperammonemia due to carbamoyl phosphate synthetase 1 deficiency; CPS 1 deficiency; Carbamyl phosphate synthetase (CPS) deficiency. Identifiers: Orphanet 147, MedGen C4082171, MONDO:0009376, OMIM 237300.

Submission:

Kasturba Medical College, Manipal, Kasturba Medical College, Manipal, Manipal Academy of Higher Education, Manipal, India
Classification: Likely pathogenic for Congenital hyperammonemia, type I. Review status: criteria provided, single submitter. Criteria: ACMG Guidelines, 2015. Collection method: clinical testing. Allele origin: biparental. Inheritance: Autosomal recessive inheritance. Affected: yes. Observed: 1 homozygote.
Comment: In-silico analysis tools (REVEL, CADD, and FATHMM) predict the variant to be disease-causing and likely to affect the CPS1 function.

NM_001875.5(CPS1):c.4003G>A (p.Val1335Met)

Gene: CPS1 (carbamoyl-phosphate synthase 1; plus strand). Cytogenetic location: 2q34.
Variant type: single nucleotide variant.
Coding change: c.4003G>A on transcript NM_001875.5 (MANE Select); coding-DNA position 4003, G replaced by A.
Protein change: p.Val1335Met; replaces valine 1335 with methionine.
Molecular consequence: missense variant. On other transcripts: non-coding transcript variant (2).
Genome position (GRCh38, 1-based): chr2:210,668,186, G>A. VCF-style: chr2-210668186-G-A. GRCh37 (hg19) VCF-style: chr2-211532910-G-A.
Other names: c.4003G>A, p.Val1335Met (NM_001122633.3, NM_001369257.1); c.4036G>A, p.Val1346Met (NM_001369256.1); short protein forms V1335M, V1346M.
Identifiers: ClinVar variation 3338275 (VCV003338275.2).
Genomic context (GRCh38, chr2:210,668,186, plus strand): 5'-TAGGAGTGGTTGACTATTCTTTGCATCCTCTATTTTAATTTTTTATTTATTTCTAAACAG[G>A]TGGCTTGCTTTGGTGAAGGTATTCATACAGCCTTCCTAAAGGCAATGCTTTCCACAGGAT-3'
Protein context (NP_001866.2, residues 1325-1345): LRCEMASTGE[Val1335Met]ACFGEGIHTA